The following is an entry in ClinVar:

NM_015285.3(WDR7):c.2032G>T (p.Ala678Ser)

Gene: WDR7 (WD repeat domain 7; plus strand). Cytogenetic location: 18q21.31.
Variant type: single nucleotide variant.
Coding change: c.2032G>T on transcript NM_015285.3 (MANE Select); coding-DNA position 2032, G replaced by T.
Protein change: p.Ala678Ser; replaces alanine 678 with serine.
Molecular consequence: missense variant.
Genome position (GRCh38, 1-based): chr18:56,756,625, G>T. VCF-style: chr18-56756625-G-T. GRCh37 (hg19) VCF-style: chr18-54423856-G-T.
Other names: c.2032G>T, p.Ala678Ser (NM_001382485.1, NM_001382487.1, NM_052834.3); short protein forms A678S.
Identifiers: ClinVar variation 3042886 (VCV003042886.2), dbSNP rs138399196, ClinGen allele CA8971533.

ClinVar aggregate classification (germline): Likely benign (0 of 4 stars; one submission).

Conditions:
WDR7-related disorder. Also called: WDR7-related condition.

Allele frequency attached by ClinVar (database versions not stated): 1000 Genomes Project 30x 0.00016; 1000 Genomes Project 0.00020; TOPMed 0.00083; ESP Exome Variant Server 0.00115; gnomAD exomes 0.00129; ExAC 0.00133; gnomAD 0.00177.
gnomAD v4.1: 2,121 of 1,612,468 alleles (0.13%); highest among the groups gnomAD compares: Non-Finnish European, 0.15%; 6 homozygotes.

Submission:

PreventionGenetics, part of Exact Sciences
Classification: Likely benign for WDR7-related condition. Last evaluated: 2022-04-28. Review status: no assertion criteria provided. Collection method: clinical testing. Allele origin: germline.
Comment: This variant is classified as likely benign based on ACMG/AMP sequence variant interpretation guidelines (Richards et al. 2015 PMID: 25741868, with internal and published modifications).